The following is an entry in ClinVar:

ClinVar aggregate classification (germline): Uncertain significance (1 of 4 stars; one submission).

Conditions:
Emery-Dreifuss muscular dystrophy 5, autosomal dominant (EDMD5). Also called: EMERY-DREIFUSS MUSCULAR DYSTROPHY 5. Identifiers: Orphanet 261, MedGen C2751805, MONDO:0013072, OMIM 612999.

Allele frequency attached by ClinVar (database versions not stated): gnomAD exomes below 0.00001; gnomAD 0.00001; TOPMed 0.00001.
gnomAD v4.1: 4 of 1,613,828 alleles (0.00025%); highest among the groups gnomAD compares: African/African-American, 0.004%; no homozygotes.

Submission:

Labcorp Genetics (formerly Invitae), Labcorp
Classification: Uncertain significance for Emery-Dreifuss muscular dystrophy 5, autosomal dominant. Last evaluated: 2023-05-31. Review status: criteria provided, single submitter. Criteria: Invitae Variant Classification Sherloc (09022015). Collection method: clinical testing. Allele origin: germline.
Comment: In summary, the available evidence is currently insufficient to determine the role of this variant in disease. Therefore, it has been classified as a Variant of Uncertain Significance. Algorithms developed to predict the effect of missense changes on protein structure and function output the following: SIFT: "Not Available"; PolyPhen-2: "Benign"; Align-GVGD: "Not Available". The valine amino acid residue is found in multiple mammalian species, which suggests that this missense change does not adversely affect protein function. ClinVar contains an entry for this variant (Variation ID: 1467809). This variant has not been reported in the literature in individuals affected with SYNE2-related conditions. This variant is not present in population databases (gnomAD no frequency). This sequence change replaces alanine, which is neutral and non-polar, with valine, which is neutral and non-polar, at codon 4406 of the SYNE2 protein (p.Ala4406Val).

NM_182914.3(SYNE2):c.13217C>T (p.Ala4406Val)

Gene: SYNE2 (spectrin repeat containing nuclear envelope protein 2; plus strand). Cytogenetic location: 14q23.2.
Variant type: single nucleotide variant.
Coding change: c.13217C>T on transcript NM_182914.3 (MANE Select); coding-DNA position 13217, C replaced by T.
Protein change: p.Ala4406Val; replaces alanine 4406 with valine.
Molecular consequence: missense variant.
Genome position (GRCh38, 1-based): chr14:64,122,070, C>T. VCF-style: chr14-64122070-C-T. GRCh37 (hg19) VCF-style: chr14-64588788-C-T.
Other names: c.13217C>T, p.Ala4406Val (NM_015180.6); short protein forms A4406V.
Identifiers: ClinVar variation 1467809 (VCV001467809.6), dbSNP rs1309450077, ClinGen allele CA389963105.
Genomic context (GRCh38, chr14:64,122,070, plus strand): 5'-AGGTTCTGGAGTTAAAACCAATGGAACAGAAAGATTTCATCAAATTCATAGAATTTAATG[C>T]TAAGAAAATGTGGCCCCAGTATTGCCAACATGATAACGATACAACTCAGGAATCATCTGC-3'
Protein context (NP_878918.2, residues 4396-4416): KDFIKFIEFN[Ala4406Val]KKMWPQYCQH